The following is an entry in ClinVar:

ClinVar aggregate classification (germline): Uncertain significance (1 of 4 stars; one submission).

Conditions:
Lissencephaly 9 with complex brainstem malformation. Identifiers: Orphanet 572013, MedGen C5193029, MONDO:0032677, OMIM 618325.

Submission:

Juno Genomics, Hangzhou Juno Genomics, Inc
Classification: Uncertain significance for Lissencephaly 9 with complex brainstem malformation. Review status: criteria provided, single submitter. Criteria: ACMG Guidelines, 2015. Collection method: clinical testing. Allele origin: germline.
Comment: Absent from controls (or at extremely low frequency if recessive) in Genome Aggregation Database.;Missense variant in a gene that has a low rate of benign missense variation.

NM_001394062.1(MACF1):c.553G>C (p.Glu185Gln)

Gene: MACF1 (microtubule actin crosslinking factor 1; plus strand). Cytogenetic location: 1p34.3.
Variant type: single nucleotide variant.
Coding change: c.553G>C on transcript NM_001394062.1 (MANE Select); coding-DNA position 553, G replaced by C.
Protein change: p.Glu185Gln; replaces glutamic acid 185 with glutamine.
Molecular consequence: missense variant.
Genome position (GRCh38, 1-based): chr1:39,282,232, G>C. VCF-style: chr1-39282232-G-C. GRCh37 (hg19) VCF-style: chr1-39747904-G-C.
Other names: c.568G>C, p.Glu190Gln (NM_012090.5); short protein forms E190Q, E185Q.
Identifiers: ClinVar variation 5006497 (VCV005006497.2).